The following is an entry in ClinVar:

NM_006005.3(WFS1):c.2603G>C (p.Arg868Pro)

Gene: WFS1 (wolframin ER transmembrane glycoprotein; plus strand). Cytogenetic location: 4p16.1.
Variant type: single nucleotide variant.
Coding change: c.2603G>C on transcript NM_006005.3 (MANE Select); coding-DNA position 2603, G replaced by C.
Protein change: p.Arg868Pro; replaces arginine 868 with proline.
Molecular consequence: missense variant.
Genome position (GRCh38, 1-based): chr4:6,302,398, G>C. VCF-style: chr4-6302398-G-C. GRCh37 (hg19) VCF-style: chr4-6304125-G-C.
Other names: c.2603G>C, p.Arg868Pro (NM_001145853.1); short protein forms R868P.
Identifiers: ClinVar variation 931915 (VCV000931915.7), dbSNP rs56393026, ClinGen allele CA91797871.

ClinVar aggregate classification (germline): Uncertain significance. Review status: criteria provided, multiple submitters, no conflicts (2 of 4 stars). 4 submissions from 4 submitters: Uncertain significance (4). Last evaluated 2024-05-08.

Conditions:
Optic atrophy. Identifiers: MedGen C0029124, MONDO:0003608, HP:0000648.
Wolfram syndrome 1 (WFS1). Identifiers: Orphanet 3463, MedGen C4551693, MONDO:0009101, OMIM 222300.
Cataract 41 (CTRCT41). Also called: CATARACT 41, CONGENITAL NUCLEAR TYPE. Identifiers: Orphanet 91492, Orphanet 98991, Orphanet 98992, Orphanet 98995, MedGen C3805412, MONDO:0007287, OMIM 116400.
Wolfram-like syndrome. Also called: HEARING LOSS, PROGRESSIVE, WITH OPTIC ATROPHY AND/OR IMPAIRED GLUCOSE REGULATION. Identifiers: Orphanet 411590, MedGen C3280358, MONDO:0013673, OMIM 614296.
Autosomal dominant nonsyndromic hearing loss 6 (LFSNHL). Also called: DEAFNESS, AUTOSOMAL DOMINANT 14; DEAFNESS, AUTOSOMAL DOMINANT 38; DEAFNESS, AUTOSOMAL DOMINANT 6; Autosomal dominant nonsyndromic deafness 6. Identifiers: Orphanet 90635, MedGen C1833021, MONDO:0010963, OMIM 600965.
Type 2 diabetes mellitus. Also called: Type II diabetes mellitus. Identifiers: MedGen C0011860, MeSH D003924, MONDO:0005148, OMIM 125853, HP:0005978.

Allele frequency attached by ClinVar (database versions not stated): TOPMed 0.00002.
gnomAD v4.1: 20 of 1,613,030 alleles (0.0012%); highest among the groups gnomAD compares: Non-Finnish European, 0.0016%; no homozygotes.

Submissions (4):

Fulgent Genetics
Classification: Uncertain significance for Cataract 41; Type 2 diabetes mellitus; Wolfram syndrome 1; Autosomal dominant nonsyndromic hearing loss 6; Wolfram-like syndrome. Last evaluated: 2024-05-08. Review status: criteria provided, single submitter. Criteria: ACMG Guidelines, 2015. Collection method: clinical testing. Allele origin: germline.

Blueprint Genetics
Classification: Uncertain significance. Last evaluated: 2023-03-21. Review status: criteria provided, single submitter. Criteria: ACMG Guidelines, 2015. Collection method: clinical testing. Allele origin: germline.

Centre for Mendelian Genomics, University Medical Centre Ljubljana
Classification: Uncertain significance for Type 2 diabetes mellitus. Last evaluated: 2020-04-01. Review status: criteria provided, single submitter. Criteria: ACMG Guidelines, 2015. Collection method: clinical testing. Allele origin: unknown. Affected: yes.
Comment: This variant was classified as: Uncertain significance. The available evidence on this variant's pathogenicity is insufficient or conflicting. The following ACMG criteria were applied in classifying this variant: PP3.

Institute of Human Genetics, Univ. Regensburg, Univ. Regensburg
Classification: Uncertain significance for Optic atrophy. Last evaluated: 2019-01-01. Review status: criteria provided, single submitter. Criteria: ACMG Guidelines, 2015. Collection method: clinical testing. Allele origin: germline. Affected: yes.

Literature cited by the submitters: PubMed 31264968 (cited by Institute of Human Genetics, Univ. Regensburg, Univ. Regensburg); PubMed 3620803 (cited by Institute of Human Genetics, Univ. Regensburg, Univ. Regensburg).